The following is an entry in ClinVar:

NM_001267550.2(TTN):c.4834G>T (p.Glu1612Ter)

Genes: TTN (titin; minus strand), LOC101927055 (uncharacterized LOC101927055; plus strand). Cytogenetic location: 2q31.2.
Variant type: single nucleotide variant.
Coding change: c.4834G>T on transcript NM_001267550.2 (MANE Select); coding-DNA position 4834, G replaced by T.
Protein change: p.Glu1612Ter; replaces glutamic acid 1612 with a stop codon.
Molecular consequence: nonsense. On other transcripts: non-coding transcript variant (1).
Genome position (GRCh38, 1-based): chr2:178,777,030, C>A on the plus strand (G>T on the coding strand, the complement: TTN is on the minus strand). VCF-style: chr2-178777030-C-A. GRCh37 (hg19) VCF-style: chr2-179641757-C-A.
Other names: c.4834G>T, p.Glu1612Ter (NM_001256850.1, NM_133378.4, NM_133379.5); c.4696G>T, p.Glu1566Ter (NM_003319.4, NM_133432.3, NM_133437.4); short protein forms E1566*, E1612*.
Identifiers: ClinVar variation 3759730 (VCV003759730.2).

ClinVar aggregate classification (germline): Likely pathogenic (1 of 4 stars; one submission).

Conditions:
Dilated cardiomyopathy 1G (CMD1G). Identifiers: Orphanet 154, MedGen C1858763, MONDO:0011400, OMIM 604145.
Autosomal recessive limb-girdle muscular dystrophy type 2J (LGMDR10). Also called: Limb-girdle muscular dystrophy, type 2J; MUSCULAR DYSTROPHY, LIMB-GIRDLE, AUTOSOMAL RECESSIVE 10. Identifiers: Orphanet 140922, MedGen C1837342, MONDO:0012127, OMIM 608807.

Submission:

Labcorp Genetics (formerly Invitae), Labcorp
Classification: Likely pathogenic for Dilated cardiomyopathy 1G; Autosomal recessive limb-girdle muscular dystrophy type 2J. Last evaluated: 2024-11-07. Review status: criteria provided, single submitter. Criteria: Invitae Variant Classification Sherloc (09022015). Collection method: clinical testing. Allele origin: germline.
Comment: This sequence change creates a premature translational stop signal (p.Glu1612*) in the TTN gene. While this is not anticipated to result in nonsense mediated decay, it is expected to create a truncated TTN protein. This variant is not present in population databases (gnomAD no frequency). This variant has not been reported in the literature in individuals affected with TTN-related conditions. This variant is located in the Z band of TTN (PMID: 25589632). Truncating variants in this region have been reported in individuals affected with autosomal recessive centronuclear myopathy (PMID: 33449170, internal data). Truncating variants in this region have also been identified in individuals affected with autosomal dominant dilated cardiomyopathy and/or cardio-related conditions (PMID: 27869827, 32964742, internal data). In summary, the currently available evidence indicates that the variant is pathogenic, but additional data are needed to prove that conclusively. Therefore, this variant has been classified as Likely Pathogenic.

Literature cited by the submitters: PubMed 25589632; PubMed 33449170; PubMed 27869827; PubMed 32964742.